The following is an entry in ClinVar:

NM_000287.4(PEX6):c.1314_1321del (p.Glu439fs)

Gene: PEX6 (peroxisomal biogenesis factor 6; minus strand). Cytogenetic location: 6p21.1.
Variant type: Deletion.
Coding change: c.1314_1321del on transcript NM_000287.4 (MANE Select); coding-DNA positions 1314 to 1321, 8 bases deleted (GGAGGCCT; older notation c.1314_1321delGGAGGCCT).
Protein change: p.Glu439fs; shifts the reading frame from glutamic acid 439.
Molecular consequence: frameshift variant. On other transcripts: non-coding transcript variant (1).
Genome position (GRCh38, 1-based): chr6:42,969,714-42,969,721, AGGCCTCC deleted on the plus strand (GGAGGCCT on the coding strand, the reverse complement: PEX6 is on the minus strand); deleting any 8 consecutive bases within chr6:42,969,714-42,969,727 gives the same sequence; the c. name uses the placement nearest the transcript's 3' end. VCF-style (leftmost placement, unchanged base first): chr6-42969713-AAGGCCTCC-A. GRCh37 (hg19) VCF-style: chr6-42937451-AAGGCCTCC-A.
Other names: c.1314_1321delGGAGGCCT (NM_000287.4); c.1314_1321del (NM_000287.3); c.1050_1057del, p.Glu351fs (NM_001316313.2); short protein forms E439fs, E351fs.
Identifiers: ClinVar variation 224321 (VCV000224321.75), dbSNP rs267608216, ClinGen allele CA3811369.
Genomic context (GRCh38, chr6:42,969,713, plus strand): 5'-GATGACCTCACTCACCCTGGCTGGAGGCGAGGCTTCAGGACAGCACAGAGTTCAGACACC[AAGGCCTCC>A]AGGCCTGGAGGAGACAAACTGCTCCAGAGAGTGGATTCCTCTGAAGGGAGCCATGGAACA-3'

ClinVar aggregate classification (germline): Pathogenic. Review status: criteria provided, multiple submitters, no conflicts (2 of 4 stars). 21 submissions from 20 submitters: Pathogenic (19). 2 of the submissions do not count toward it. Last evaluated 2026-09-14.

Conditions:
Zellweger spectrum disorders (ZS). Also called: Zellweger Spectrum Disorder (ZSD); Zellweger Spectrum Disorder; Zellweger Spectrum; Zellweger syndrome. Identifiers: Orphanet 912, MedGen C0043459, MONDO:0019609.
Peroxisome biogenesis disorder 4B (PBD4B). Also called: SPINOCEREBELLAR ATAXIA WITH BLINDNESS AND DEAFNESS 1. Identifiers: Orphanet 44, Orphanet 95433, MedGen C3553937, MONDO:0013931, OMIM 614863.
Peroxisome biogenesis disorder 4A (Zellweger) (PBD4A). Also called: Zellweger syndrome spectrum (PEX6-related). Identifiers: Orphanet 912, MedGen C3553936, MONDO:0013930, OMIM 614862. Disease mechanism: loss of function.
Heimler syndrome 2 (HMLR2). Also called: PEROXISOME BIOGENESIS DISORDER 4C. Identifiers: Orphanet 3220, MedGen C4225267, OMIM 616617, MONDO:0014709.
PEX6-related disorder. Also called: PEX6-related condition; PEX6-related disorders.
Peroxisome biogenesis disorder. Identifiers: Orphanet 79189, MedGen C1832200, MONDO:0019234. Disease mechanism: loss of function.

Submissions 1 to 14 of 21:

PreventionGenetics, part of Exact Sciences
Classification: Pathogenic for PEX6-related condition. Last evaluated: 2026-09-14. Review status: criteria provided, single submitter. Criteria: ACMG Guidelines, 2015. Collection method: clinical testing. Allele origin: germline.
Comment: The PEX6 c.1314_1321del8 variant is predicted to result in a frameshift and premature protein termination (p.Glu439Glyfs*3). This variant has been reported in the homozygous and compound heterozygous states in multiple individuals with Heimler syndrome or Zellweger syndrome (see for examples, Ebberink et al. 2010. PubMed ID: 19877282; Smith et al. 2016. PubMed ID: 27302843; Perea-Romero et al. 2021. PubMed ID: 34448047; Gupta et al. 2021. PubMed ID: 35002136). This variant is reported in 0.023% of alleles in individuals of South Asian descent in gnomAD. Frameshift variants in PEX6 are expected to be pathogenic. This variant is interpreted as pathogenic.

Labcorp Genetics (formerly Invitae), Labcorp
Classification: Pathogenic for Peroxisome biogenesis disorder. Last evaluated: 2026-01-19. Review status: criteria provided, single submitter. Criteria: Invitae Variant Classification Sherloc (09022015). Collection method: clinical testing. Allele origin: germline.
Comment: This sequence change creates a premature translational stop signal (p.Glu439Glyfs*3) in the PEX6 gene. It is expected to result in an absent or disrupted protein product. Loss-of-function variants in PEX6 are known to be pathogenic (PMID: 10408779, 21031596, 31831025). This variant is present in population databases (rs267608216, gnomAD 0.03%). This premature translational stop signal has been observed in individual(s) with Zellweger spectrum disorder (PMID: 19142205, 24016303, 27302843). ClinVar contains an entry for this variant (Variation ID: 224321). For these reasons, this variant has been classified as Pathogenic.

CeGaT Center for Human Genetics Tuebingen
Classification: Pathogenic. Last evaluated: 2025-12-01. Review status: criteria provided, single submitter. Criteria: CeGaT Center For Human Genetics Tuebingen Variant Classification Criteria Version 2. Collection method: clinical testing. Allele origin: germline. Affected: yes. Observed: 5 variant alleles.
Comment: PEX6: PVS1, PM3:Strong, PM2

Natera, Inc.
Classification: Pathogenic for Zellweger syndrome. Last evaluated: 2025-09-15. Review status: criteria provided, single submitter. Criteria: Natera Variant Classification Schema (03/2026). Collection method: clinical testing. Allele origin: germline.
Comment: The c.1314_1321delGGAGGCCT variant in PEX6 is a frameshift variant predicted to shift the reading frame beginning at codon 439 and leads to a stop codon 3 codons downstream. This variant is expected to result in nonsense mediated decay, truncation, or a dysfunctional protein product. This variant is rare in the general population with a frequency below the threshold expected for the associated phenotype(s). This variant has been observed in one or more individuals affected with the associated recessive disease, as either homozygous or compound heterozygous with a second variant (PMID: 19877282). Given the available evidence, this variant is classified as Pathogenic.

First Genomix Gene Laboratory, Genetic Diagnostics Department
Classification: Pathogenic for Heimler syndrome 2; Peroxisome biogenesis disorder 4A (Zellweger); Peroxisome biogenesis disorder 4B. Last evaluated: 2025-08-04. Review status: criteria provided, single submitter. Criteria: ACMG Guidelines, 2015. Collection method: clinical testing. Allele origin: germline. Inheritance: Autosomal recessive inheritance. Affected: no. Observed: 1 variant allele.

GeneDx
Classification: Pathogenic. Last evaluated: 2025-02-03. Review status: criteria provided, single submitter. Criteria: GeneDx Variant Classification Process June 2021. Collection method: clinical testing. Allele origin: germline. Affected: yes.
Comment: Frameshift variant predicted to result in protein truncation or nonsense mediated decay in a gene for which loss-of-function is a known mechanism of disease; This variant is associated with the following publications: (PMID: 22871920, 35002136, 19142205, 27302843, 24016303, 32866347, 31964843, 35402347, 34448047, 38927725, 38536866, 19877282)

Dubai Health Genomic Medicine Center, Dubai Health
Classification: Pathogenic for Peroxisome biogenesis disorder 4B. Last evaluated: 2024-10-04. Review status: criteria provided, single submitter. Criteria: ACMG Guidelines, 2015. Collection method: research. Allele origin: germline. Affected: yes.
Comment: PVS1,PM2,PM3

Blueprint Genetics
Classification: Pathogenic for PEX6-related disorders. Last evaluated: 2024-10-03. Review status: criteria provided, single submitter. Criteria: ACMG Guidelines, 2015. Collection method: clinical testing. Allele origin: germline. Affected: yes. Observed: 5 variant alleles.

Baylor Genetics
Classification: Pathogenic for Heimler syndrome 2. Last evaluated: 2024-03-20. Review status: criteria provided, single submitter. Criteria: ACMG Guidelines, 2015. Collection method: clinical testing. Allele origin: unknown.

Institute of Immunology and Genetics Kaiserslautern
Classification: Pathogenic for Peroxisome biogenesis disorder 4A (Zellweger); Peroxisome biogenesis disorder 4B; Heimler syndrome 2. Last evaluated: 2024-03-18. Review status: criteria provided, single submitter. Criteria: ACMG Guidelines, 2015. Collection method: clinical testing. Allele origin: maternal. Affected: yes.
Comment: ACMG Criteria: PVS1, PS3, PM3, PP5.

Laboratory of Medical Genetics, National & Kapodistrian University of Athens
Classification: Pathogenic for Peroxisome biogenesis disorder 4A (Zellweger). Last evaluated: 2024-02-01. Review status: criteria provided, single submitter. Criteria: ACMG Guidelines, 2015. Collection method: curation. Allele origin: germline. Affected: no.

Fulgent Genetics
Classification: Pathogenic for Peroxisome biogenesis disorder 4A (Zellweger); Peroxisome biogenesis disorder 4B; Heimler syndrome 2. Last evaluated: 2024-01-22. Review status: criteria provided, single submitter. Criteria: ACMG Guidelines, 2015. Collection method: clinical testing. Allele origin: germline.

Institute of Human Genetics Munich, TUM University Hospital
Classification: Pathogenic for Peroxisome biogenesis disorder 4A (Zellweger). Last evaluated: 2023-09-18. Review status: criteria provided, single submitter. Criteria: Classification criteria August 2017. Collection method: clinical testing. Allele origin: paternal. Inheritance: Autosomal recessive inheritance. Affected: yes. Observed: 1 variant allele.

Victorian Clinical Genetics Services, Murdoch Childrens Research Institute
Classification: Pathogenic for Peroxisome biogenesis disorder 4B. Last evaluated: 2021-05-06. Review status: criteria provided, single submitter. Criteria: ACMG Guidelines, 2015. Collection method: clinical testing. Allele origin: germline.
Comment: Based on the classification scheme VCGS_Germline_v1.3.4, this variant is classified as Pathogenic. 0102 - Loss of function is a known mechanism of disease in this gene and is associated with PEX6-related disorders. (I) 0108 - This gene is associated with both recessive and dominant disease. Dominant disease is caused by a single recurring missense variant, p.(Arg860Trp) (OMIM, PMID: 29220678). (I) 0201 - Variant is predicted to cause nonsense-mediated decay (NMD) and loss of protein (premature termination codon is located at least 54 nucleotides upstream of the final exon-exon junction). (SP) 0251 - This variant is heterozygous. (I) 0304 - Variant is present in gnomAD <0.01 for a recessive condition (v2: 21 heterozygotes, 0 homozygotes). (SP) 0701 - Other NMD-predicted variants comparable to the one identified in this case have very strong previous evidence for pathogenicity. At least ten other NMD-predicted variants have been reported in this gene (DECIPHER, ClinVar). (SP) 0801 - This variant has strong previous evidence of pathogenicity in unrelated individuals. It has been reported in both homozygotes and heterozygotes with Heimler syndrome and Zellweger syndrome spectrum (ClinVar; PMID: 27302843, 19877282). (SP) 1208 - Inheritance information for this variant is not currently available in this individual. (I) Legend: (SP) - Supporting pathogenic, (I) - Information, (SB) - Supporting benign